The following is an entry in ClinVar:

NM_012123.4(MTO1):c.2044T>C (p.Cys682Arg)

Gene: MTO1 (mitochondrial tRNA translation optimization 1; plus strand). Cytogenetic location: 6q13.
Variant type: single nucleotide variant.
Coding change: c.2044T>C on transcript NM_012123.4 (MANE Select); coding-DNA position 2044, T replaced by C.
Protein change: p.Cys682Arg; replaces cysteine 682 with arginine.
Molecular consequence: missense variant.
Genome position (GRCh38, 1-based): chr6:73,500,700, T>C. VCF-style: chr6-73500700-T-C. GRCh37 (hg19) VCF-style: chr6-74210423-T-C.
Other names: p.Cys682Arg; c.2164T>C, p.Cys722Arg (NM_001123226.2); c.2119T>C, p.Cys707Arg (NM_133645.3); c.2164T>C (NM_001123226.1); short protein forms C722R, C682R, C707R.
Identifiers: ClinVar variation 1523263 (VCV001523263.9), dbSNP rs140592470, ClinGen allele CA3889814.
Genomic context (GRCh38, chr6:73,500,700, plus strand): 5'-AAGACCACTCAACGAAGACAGTCGGCTATGAATGAATCATCCAAGACTGATCAATACTTA[T>C]GTGATGCAGACAGACTTCAAGAGAGAGAGTTATAGCTTTCAATTCATAAAAGATTTTTAA-3'
Protein context (NP_036255.2, residues 672-692): NESSKTDQYL[Cys682Arg]DADRLQEREL

ClinVar aggregate classification (germline): Conflicting classifications of pathogenicity. Review status: criteria provided, conflicting classifications (1 of 4 stars). 5 submissions from 5 submitters: Uncertain significance (4); Likely benign (1). Last evaluated 2026-06-18.

Conditions:
MTO1-related disorder. Also called: MTO1-related condition.
Inborn genetic diseases. Identifiers: MedGen C0950123, MeSH D030342.
Mitochondrial hypertrophic cardiomyopathy with lactic acidosis due to MTO1 deficiency. Also called: CARDIOMYOPATHY, INFANTILE HYPERTROPHIC MITOCHONDRIAL, AND LACTIC ACIDOSIS; Combined oxidative phosphorylation deficiency 10. Identifiers: Orphanet 314637, MedGen C4749921, MONDO:0013865, OMIM 614702.

Allele frequency attached by ClinVar (database versions not stated): ExAC 0.00002; gnomAD 0.00007 and 0.00008; ESP Exome Variant Server 0.00008; TOPMed 0.00010; 1000 Genomes Project 30x 0.00016; 1000 Genomes Project 0.00020.
gnomAD v4.1: 32 of 1,607,644 alleles (0.002%); highest among the groups gnomAD compares: African/African-American, 0.024%; no homozygotes.

Submissions (5):

PreventionGenetics, part of Exact Sciences
Classification: Uncertain significance for MTO1-related condition. Last evaluated: 2026-06-18. Review status: criteria provided, single submitter. Criteria: ACMG Guidelines, 2015. Collection method: clinical testing. Allele origin: germline.
Comment: The MTO1 c.2044T>C variant is predicted to result in the amino acid substitution p.Cys682Arg. To our knowledge, this variant has not been reported in the literature. This variant is reported in 0.015% of alleles in individuals of Latino descent in gnomAD. At this time, the clinical significance of this variant is uncertain due to the absence of conclusive functional and genetic evidence.

Mayo Clinic Laboratories, Mayo Clinic
Classification: Uncertain significance. Last evaluated: 2023-09-19. Review status: criteria provided, single submitter. Criteria: ACMG Guidelines, 2015. Collection method: clinical testing. Allele origin: germline. Observed: 2 variant alleles.
Comment: BP4, PM2_moderate

Ambry Genetics
Classification: Likely benign for Inborn genetic diseases. Last evaluated: 2022-12-19. Review status: criteria provided, single submitter. Criteria: Ambry Variant Classification Scheme 2023. Collection method: clinical testing. Allele origin: germline.

Labcorp Genetics (formerly Invitae), Labcorp
Classification: Uncertain significance for Mitochondrial hypertrophic cardiomyopathy with lactic acidosis due to MTO1 deficiency. Last evaluated: 2022-10-17. Review status: criteria provided, single submitter. Criteria: Invitae Variant Classification Sherloc (09022015). Collection method: clinical testing. Allele origin: germline.
Comment: This sequence change replaces cysteine, which is neutral and slightly polar, with arginine, which is basic and polar, at codon 682 of the MTO1 protein (p.Cys682Arg). This variant is present in population databases (rs140592470, gnomAD 0.01%). This variant has not been reported in the literature in individuals affected with MTO1-related conditions. ClinVar contains an entry for this variant (Variation ID: 1523263). Algorithms developed to predict the effect of missense changes on protein structure and function output the following: SIFT: "Tolerated"; PolyPhen-2: "Benign"; Align-GVGD: "Class C0". The arginine amino acid residue is found in multiple mammalian species, which suggests that this missense change does not adversely affect protein function. In summary, the available evidence is currently insufficient to determine the role of this variant in disease. Therefore, it has been classified as a Variant of Uncertain Significance.

GeneDx
Classification: Uncertain significance. Last evaluated: 2022-02-21. Review status: criteria provided, single submitter. Criteria: GeneDx Variant Classification Process June 2021. Collection method: clinical testing. Allele origin: germline. Affected: yes.
Comment: Not observed at significant frequency in large population cohorts (gnomAD); In silico analysis supports that this missense variant does not alter protein structure/function; Has not been previously published as pathogenic or benign to our knowledge